The following is an entry in ClinVar:

ClinVar aggregate classification (germline): Pathogenic. Review status: reviewed by expert panel (3 of 4 stars). 3 submissions from 3 submitters: Pathogenic (1). 2 of the submissions do not count toward it. Last evaluated 2016-09-08.

Conditions:
Breast-ovarian cancer, familial, susceptibility to, 1 (BROVCA1). Also called: OVARIAN CANCER, SUSCEPTIBILITY TO; BRCA1 Hereditary Breast and Ovarian Cancer. Identifiers: Orphanet 145, MedGen C2676676, MONDO:0011450, OMIM 604370. Disease mechanism: loss of function.

Submissions (3):

Evidence-based Network for the Interpretation of Germline Mutant Alleles (ENIGMA)
Classification: Pathogenic for Breast-ovarian cancer, familial, susceptibility to, 1. Last evaluated: 2016-09-08. Review status: reviewed by expert panel. Criteria: ENIGMA BRCA1/2 Classification Criteria (2015). Collection method: curation. Allele origin: germline.
Comment: Variant allele predicted to encode a truncated non-functional protein.

Revvity Omics, Revvity
Classification: Likely pathogenic. Last evaluated: 2024-12-06. Review status: criteria provided, single submitter. Criteria: ACMG Guidelines, 2015. Collection method: clinical testing. Allele origin: germline. Not counted in ClinVar's aggregate classification.

Breast Cancer Information Core (BIC) (BRCA1)
Classification: Pathogenic for Breast-ovarian cancer, familial 1. Last evaluated: 2002-05-29. Review status: no assertion criteria provided. Collection method: clinical testing. Allele origin: germline. Affected: yes. Observed: 1 variant allele. Not counted in ClinVar's aggregate classification.

NM_007294.4(BRCA1):c.1837del (p.Arg613fs)

Gene: BRCA1 (BRCA1 DNA repair associated; minus strand). Cytogenetic location: 17q21.31.
Variant type: Deletion.
Coding change: c.1837del on transcript NM_007294.4 (MANE Select); coding-DNA position 1837, one base deleted (A; older notation c.1837delA).
Protein change: p.Arg613fs; shifts the reading frame from arginine 613.
Molecular consequence: frameshift variant. On other transcripts: intron variant (137).
Genome position (GRCh38, 1-based): chr17:43,093,694, T deleted on the plus strand (A on the coding strand, the reverse complement: BRCA1 is on the minus strand). VCF-style (leftmost placement, unchanged base first): chr17-43093693-CT-C. GRCh37 (hg19) VCF-style: chr17-41245710-CT-C.
Other names: 1956delA; c.1834del, p.Arg612fs (NM_001407587.1, NM_001407590.1, NM_001407591.1 and 22 more transcripts); c.1837del, p.Arg613fs (NM_001407593.1, NM_001407594.1, NM_001407596.1 and 30 more transcripts); c.1828del, p.Arg610fs (NM_001407646.1, NM_001407647.1); c.1714del, p.Arg572fs (NM_001407648.1, NM_001407664.1, NM_001407665.1 and 19 more transcripts); c.1711del, p.Arg571fs (NM_001407649.1, NM_001407670.1, NM_001407671.1 and 11 more transcripts); c.1759del, p.Arg587fs (NM_001407653.1, NM_001407654.1, NM_001407655.1 and 4 more transcripts); c.1756del, p.Arg586fs (NM_001407659.1, NM_001407660.1, NM_001407661.1 and 1 more transcripts); and 41 more; short protein forms R566fs, R613fs, R485fs, R545fs, R565fs, R572fs, R610fs, R501fs.
Identifiers: ClinVar variation 54368 (VCV000054368.5), dbSNP rs80357652, ClinGen allele CA001197.